The following is an entry in ClinVar:

NM_024854.5(PYROXD1):c.286-11T>G

Gene: PYROXD1 (pyridine nucleotide-disulphide oxidoreductase domain 1; plus strand). Cytogenetic location: 12p12.1.
Variant type: single nucleotide variant.
Coding change: c.286-11T>G on transcript NM_024854.5 (MANE Select); 11 bases into the intron before coding-DNA position 286, T replaced by G.
Molecular consequence: intron variant.
Genome position (GRCh38, 1-based): chr12:21,449,552, T>G. VCF-style: chr12-21449552-T-G. GRCh37 (hg19) VCF-style: chr12-21602486-T-G.
Other names: c.-418-11T>G (NM_001350913.2); c.73-11T>G (NM_001350912.2).
Identifiers: ClinVar variation 1509805 (VCV001509805.8), dbSNP rs2137256569, ClinGen allele CA2573147879.

ClinVar aggregate classification (germline): Uncertain significance (1 of 4 stars; one submission).

Submission:

Labcorp Genetics (formerly Invitae), Labcorp
Classification: Uncertain significance. Last evaluated: 2021-06-23. Review status: criteria provided, single submitter. Criteria: Invitae Variant Classification Sherloc (09022015). Collection method: clinical testing. Allele origin: germline.
Comment: This variant is not present in population databases (ExAC no frequency). In summary, the available evidence is currently insufficient to determine the role of this variant in disease. Therefore, it has been classified as a Variant of Uncertain Significance. Algorithms developed to predict the effect of sequence changes on RNA splicing suggest that this variant may create or strengthen a splice site, but this prediction has not been confirmed by published transcriptional studies. This variant has not been reported in the literature in individuals with PYROXD1-related conditions. This sequence change falls in intron 3 of the PYROXD1 gene. It does not directly change the encoded amino acid sequence of the PYROXD1 protein.